The following is an entry in ClinVar:

ClinVar aggregate classification (germline): Uncertain significance (1 of 4 stars; one submission).

Conditions:
Hearing loss, autosomal dominant 76. Also called: DEAFNESS, AUTOSOMAL DOMINANT 76. Identifiers: MedGen C5394080, MONDO:0032917, OMIM 618787.

Submission:

Juno Genomics, Hangzhou Juno Genomics, Inc
Classification: Uncertain significance for Hearing loss, autosomal dominant 76. Review status: criteria provided, single submitter. Criteria: ACMG Guidelines, 2015. Collection method: clinical testing. Allele origin: germline.
Comment: Absent from controls (or at extremely low frequency if recessive) in Genome Aggregation Database.;Multiple lines of computational evidence support a deleterious effect on the gene or gene product.

NM_001145319.2(PLS1):c.391T>C (p.Trp131Arg)

Gene: PLS1 (plastin 1; plus strand). Cytogenetic location: 3q23.
Variant type: single nucleotide variant.
Coding change: c.391T>C on transcript NM_001145319.2 (MANE Select); coding-DNA position 391, T replaced by C.
Protein change: p.Trp131Arg; replaces tryptophan 131 with arginine.
Molecular consequence: missense variant.
Genome position (GRCh38, 1-based): chr3:142,676,183, T>C. VCF-style: chr3-142676183-T-C. GRCh37 (hg19) VCF-style: chr3-142395025-T-C.
Other names: c.391T>C, p.Trp131Arg (NM_001172312.2, NM_002670.3); short protein forms W131R.
Identifiers: ClinVar variation 5019665 (VCV005019665.2).